The following is an entry in ClinVar:

NM_004304.5(ALK):c.1155-20_1155-19del

Gene: ALK (ALK receptor tyrosine kinase; minus strand). Cytogenetic location: 2p23.2.
Variant type: Microsatellite.
Coding change: c.1155-20_1155-19del on transcript NM_004304.5 (MANE Select); 20 bases into the intron before coding-DNA position 1155 through 19 bases into the intron before coding-DNA position 1155, 2 bases deleted (CT; older notation c.1155-20_1155-19delCT).
Molecular consequence: intron variant.
Genome position (GRCh38, 1-based): chr2:29,383,878-29,383,879, AG deleted on the plus strand (CT on the coding strand, the reverse complement: ALK is on the minus strand); deleting any 2 consecutive bases within chr2:29,383,878-29,383,881 gives the same sequence; the c. name uses the placement nearest the transcript's 3' end. VCF-style (leftmost placement, unchanged base first): chr2-29383877-CAG-C. GRCh37 (hg19) VCF-style: chr2-29606743-CAG-C.
Other names: c.1155-20_1155-19delCT (NM_004304.4).
Identifiers: ClinVar variation 516581 (VCV000516581.9), dbSNP rs140451928, ClinGen allele CA1594737.
Genomic context (GRCh38, chr2:29,383,877, plus strand): 5'-TGGGTTGTCTGGACGCCCGATTCTTCCCTGGAGCACTGTCCAACTGGTTGCATTGGAAAA[CAG>C]AGGAGAAAAGCATAGAGAAACAGATATGAGAATTAGGCCTAACATGTGGACAGGGTCATG-3'

ClinVar aggregate classification (germline): Benign. Review status: criteria provided, multiple submitters, no conflicts (2 of 4 stars). 3 submissions from 3 submitters: Benign (3). Last evaluated 2026-02-04.

Conditions:
Neuroblastoma, susceptibility to, 3. Also called: ALK-Related Neuroblastic Tumor Susceptibility. Identifiers: Orphanet 635, MedGen C2751681, MONDO:0013083, OMIM 613014.

Submissions (3):

Labcorp Genetics (formerly Invitae), Labcorp
Classification: Benign for Neuroblastoma, susceptibility to, 3. Last evaluated: 2026-02-04. Review status: criteria provided, single submitter. Criteria: Invitae Variant Classification Sherloc (09022015). Collection method: clinical testing. Allele origin: germline.

ARUP Laboratories, Molecular Genetics and Genomics, ARUP Laboratories
Classification: Benign for Neuroblastoma, susceptibility to, 3. Last evaluated: 2024-12-26. Review status: criteria provided, single submitter. Criteria: ARUP Molecular Germline Variant Investigation Process 2024. Collection method: clinical testing. Allele origin: germline.

GeneDx
Classification: Benign. Last evaluated: 2017-06-09. Review status: criteria provided, single submitter. Criteria: GeneDx Variant Classification (06012015). Collection method: clinical testing. Allele origin: germline. Affected: yes.
Comment: This variant is considered likely benign or benign based on one or more of the following criteria: it is a conservative change, it occurs at a poorly conserved position in the protein, it is predicted to be benign by multiple in silico algorithms, and/or has population frequency not consistent with disease.